The following is an entry in ClinVar:

NM_001267550.2(TTN):c.21605C>G (p.Ser7202Cys)

Gene: TTN (titin; minus strand). Cytogenetic location: 2q31.2.
Variant type: single nucleotide variant.
Coding change: c.21605C>G on transcript NM_001267550.2 (MANE Select); coding-DNA position 21605, C replaced by G.
Protein change: p.Ser7202Cys; replaces serine 7202 with cysteine.
Molecular consequence: missense variant. On other transcripts: intron variant (3).
Genome position (GRCh38, 1-based): chr2:178,723,495, G>C on the plus strand (C>G on the coding strand, the complement: TTN is on the minus strand). VCF-style: chr2-178723495-G-C. GRCh37 (hg19) VCF-style: chr2-179588222-G-C.
Other names: c.13282+14587C>G (NM_003319.4); c.13858+14587C>G (NM_133437.4); c.13657+14587C>G (NM_133432.3); c.20654C>G, p.Ser6885Cys (NM_001256850.1); c.17873C>G, p.Ser5958Cys (NM_133378.4); short protein forms S5958C, S7202C, S6885C.
Identifiers: ClinVar variation 229394 (VCV000229394.7), dbSNP rs747376234, ClinGen allele CA2000999.

ClinVar aggregate classification (germline): Conflicting classifications of pathogenicity. Review status: criteria provided, conflicting classifications (1 of 4 stars). 3 submissions from 3 submitters: Uncertain significance (1); Likely benign (1). 1 of the submissions does not count toward it. Last evaluated 2017-09-18.

Conditions:
TTN-related disorder. Also called: TTN-related disorders; TTN-related condition; TTN-related disease.

Allele frequency attached by ClinVar (database versions not stated): ExAC 0.00001; gnomAD exomes 0.00001 and 0.00002; TOPMed 0.00002.
gnomAD v4.1: 5 of 1,613,314 alleles (0.00031%); highest among the groups gnomAD compares: East Asian, 0.011%; no homozygotes.

Submissions (3):

GeneDx
Classification: Likely benign. Last evaluated: 2017-09-18. Review status: criteria provided, single submitter. Criteria: GeneDx Variant Classification (06012015). Collection method: clinical testing. Allele origin: germline. Affected: yes.
Comment: This variant is considered likely benign or benign based on one or more of the following criteria: it is a conservative change, it occurs at a poorly conserved position in the protein, it is predicted to be benign by multiple in silico algorithms, and/or has population frequency not consistent with disease.

Laboratory for Molecular Medicine, Mass General Brigham Personalized Medicine
Classification: Uncertain significance. Last evaluated: 2015-06-25. Review status: criteria provided, single submitter. Criteria: LMM Criteria. Collection method: clinical testing. Allele origin: germline. Observed: 1 variant allele.
Comment: The p.Ser5958Cys variant in TTN has not been previously reported in individuals with cardiomyopathy and data from large population studies is insufficient to as sess the frequency of this variant. Computational prediction tools and conservat ion analysis do not provide strong support for or against an impact to the prote in. In summary, the clinical significance of the p.Ser5958Cys variant is uncerta in.

PreventionGenetics, part of Exact Sciences
Classification: Uncertain significance for TTN-related condition. Last evaluated: 2024-03-25. Review status: no assertion criteria provided. Collection method: clinical testing. Allele origin: germline. Not counted in ClinVar's aggregate classification.
Comment: The TTN c.21605C>G variant is predicted to result in the amino acid substitution p.Ser7202Cys. To our knowledge, this variant has not been reported in the literature. This variant is reported in 0.022% of alleles in individuals of East Asian descent in gnomAD. At this time, the clinical significance of this variant is uncertain due to the absence of conclusive functional and genetic evidence.